The following is an entry in ClinVar:

ClinVar aggregate classification (germline): Conflicting classifications of pathogenicity. Review status: criteria provided, conflicting classifications (1 of 4 stars). 4 submissions from 4 submitters: Uncertain significance (1); Likely benign (2). 1 of the submissions does not count toward it. Last evaluated 2024-12-31.

Conditions:
Rubinstein-Taybi syndrome (RSTS). Identifiers: Orphanet 783, MedGen C0035934, MONDO:0019188.
CREBBP-related disorder. Also called: CREBBP-related condition; CREBBP-related disorders.
Inborn genetic diseases. Identifiers: MedGen C0950123, MeSH D030342.

Submissions (4):

Labcorp Genetics (formerly Invitae), Labcorp
Classification: Uncertain significance for Rubinstein-Taybi syndrome. Last evaluated: 2024-12-31. Review status: criteria provided, single submitter. Criteria: Invitae Variant Classification Sherloc (09022015). Collection method: clinical testing. Allele origin: germline.
Comment: This variant, c.6633_6641dup, results in the insertion of 3 amino acid(s) of the CREBBP protein (p.Gln2214_Gln2216dup), but otherwise preserves the integrity of the reading frame. The frequency data for this variant in the population databases is considered unreliable, as metrics indicate poor data quality at this position in the gnomAD database. This variant has not been reported in the literature in individuals affected with CREBBP-related conditions. In summary, the available evidence is currently insufficient to determine the role of this variant in disease. Therefore, it has been classified as a Variant of Uncertain Significance.

CeGaT Center for Human Genetics Tuebingen
Classification: Likely benign. Last evaluated: 2024-07-01. Review status: criteria provided, single submitter. Criteria: CeGaT Center For Human Genetics Tuebingen Variant Classification Criteria Version 2. Collection method: clinical testing. Allele origin: germline. Affected: yes. Observed: 1 variant allele.
Comment: CREBBP: BS1

Ambry Genetics
Classification: Likely benign for Inborn genetic diseases. Last evaluated: 2017-06-30. Review status: criteria provided, single submitter. Criteria: Ambry Variant Classification Scheme 2023. Collection method: clinical testing. Allele origin: germline.

PreventionGenetics, part of Exact Sciences
Classification: Likely benign for CREBBP-related condition. Last evaluated: 2020-02-14. Review status: no assertion criteria provided. Collection method: clinical testing. Allele origin: germline. Not counted in ClinVar's aggregate classification.
Comment: This variant is classified as likely benign based on ACMG/AMP sequence variant interpretation guidelines (Richards et al. 2015 PMID: 25741868, with internal and published modifications).

NM_004380.3(CREBBP):c.6624ACAGCAGCA[3] (p.Gln2216_Gly2217insGlnGlnGln)

Gene: CREBBP (CREB binding lysine acetyltransferase; minus strand). Cytogenetic location: 16p13.3.
Variant type: Microsatellite.
Coding change: c.6624ACAGCAGCA[3] on transcript NM_004380.3 (MANE Select); three copies in a row of the 9-base unit ACAGCAGCA starting at c.6624; the reference has two copies in a row; one copy, 9 bases duplicated.
Protein change: p.Gln2216_Gly2217insGlnGlnGln.
Molecular consequence: inframe insertion.
Genome position (GRCh38, 1-based): chr16:3,728,406-3,728,414, TGCTGCTGT duplicated on the plus strand (ACAGCAGCA on the coding strand, the reverse complement: CREBBP is on the minus strand); duplicating any 9 consecutive bases within chr16:3,728,406-3,728,425 gives the same sequence; the position shown is the placement nearest the transcript's 3' end. VCF-style (leftmost placement, unchanged base first): chr16-3728405-C-CTGCTGCTGT. GRCh37 (hg19) VCF-style: chr16-3778406-C-CTGCTGCTGT.
Other names: c.6510ACAGCAGCA[3], p.Gln2178_Gly2179insGlnGlnGln (NM_001079846.1); c.6633_6641dup9 (NM_004380.2).
Identifiers: ClinVar variation 1754580 (VCV001754580.22), dbSNP rs746989288, ClinGen allele CA7869043.